The following is an entry in ClinVar:

ClinVar aggregate classification (germline): Pathogenic (1 of 4 stars; one submission).

Conditions:
Long QT syndrome (LQTS). Identifiers: MedGen C0023976, MeSH D008133, MONDO:0002442. Disease mechanism: loss of function. Inheritance: Various modes of inheritance.

Submission:

Labcorp Genetics (formerly Invitae), Labcorp
Classification: Pathogenic for Long QT syndrome. Last evaluated: 2023-07-16. Review status: criteria provided, single submitter. Criteria: Invitae Variant Classification Sherloc (09022015). Collection method: clinical testing. Allele origin: unknown.
Comment: A gross deletion of the genomic region encompassing the full coding sequence of the KCNH2 gene has been identified. Loss-of-function variants in KCNH2 are known to be pathogenic (PMID: 10973849, 19862833). The boundaries of this event are unknown as they extend beyond the assayed region for this gene and therefore may encompass additional genes. This variant has not been reported in the literature in individuals affected with KCNH2-related conditions. For these reasons, this variant has been classified as Pathogenic.

Literature cited by the submitters: PubMed 10973849; PubMed 19862833.

NC_000007.13:g.(?_150324807)_(150706375_?)del

Genes: AOC1 (amine oxidase copper containing 1; plus strand), GIMAP1 (GTPase, IMAP family member 1; plus strand), GIMAP2 (GTPase, IMAP family member 2; plus strand), GIMAP5 (GTPase, IMAP family member 5; plus strand), GIMAP6 (GTPase, IMAP family member 6; minus strand) and 4 more. Cytogenetic location: 7q36.1.
Variant type: Deletion.
Identifiers: ClinVar variation 3245694 (VCV003245694.1).